The following is an entry in ClinVar:

ClinVar aggregate classification (germline): Conflicting classifications of pathogenicity. Review status: criteria provided, conflicting classifications (1 of 4 stars). 3 submissions from 3 submitters: Uncertain significance (2); Likely benign (1). Last evaluated 2025-03-07.

Conditions:
Hereditary cancer-predisposing syndrome. Also called: Hereditary Cancer Syndrome; Tumor predisposition; Hereditary neoplastic syndrome; Neoplastic Syndromes, Hereditary. Identifiers: Orphanet 140162, MedGen C0027672, MeSH D009386, MONDO:0015356.
Hereditary breast ovarian cancer syndrome. Also called: Hereditary breast and ovarian cancer; Hereditary breast and ovarian cancer syndrome; BRCA1- and BRCA2-Associated Hereditary Breast and Ovarian Cancer; Hereditary breast and ovarian cancer syndrome (HBOC); Breast and ovarian cancer; Hereditary breast and/or ovarian cancer syndrome. Identifiers: Orphanet 145, MedGen C0677776, MeSH D061325, MONDO:0003582. Disease mechanism: loss of function.

Submissions (3):

Ambry Genetics
Classification: Uncertain significance for Hereditary cancer-predisposing syndrome. Last evaluated: 2025-03-07. Review status: criteria provided, single submitter. Criteria: Ambry Variant Classification Scheme 2023. Collection method: clinical testing. Allele origin: germline.
Comment: The p.L1118V variant (also known as c.3352T>G), located in coding exon 10 of the BRCA2 gene, results from a T to G substitution at nucleotide position 3352. The leucine at codon 1118 is replaced by valine, an amino acid with highly similar properties. This amino acid position is highly conserved in available vertebrate species. In addition, this alteration is predicted to be tolerated by in silico analysis. Based on the available evidence, the clinical significance of this variant remains unclear.

Labcorp Genetics (formerly Invitae), Labcorp
Classification: Uncertain significance for Hereditary breast ovarian cancer syndrome. Last evaluated: 2024-09-06. Review status: criteria provided, single submitter. Criteria: Invitae Variant Classification Sherloc (09022015). Collection method: clinical testing. Allele origin: germline.
Comment: This sequence change replaces leucine, which is neutral and non-polar, with valine, which is neutral and non-polar, at codon 1118 of the BRCA2 protein (p.Leu1118Val). This variant is not present in population databases (gnomAD no frequency). This variant has not been reported in the literature in individuals affected with BRCA2-related conditions. ClinVar contains an entry for this variant (Variation ID: 645766). Invitae Evidence Modeling of protein sequence and biophysical properties (such as structural, functional, and spatial information, amino acid conservation, physicochemical variation, residue mobility, and thermodynamic stability) indicates that this missense variant is not expected to disrupt BRCA2 protein function with a negative predictive value of 95%. In summary, the available evidence is currently insufficient to determine the role of this variant in disease. Therefore, it has been classified as a Variant of Uncertain Significance.

University of Washington Department of Laboratory Medicine, University of Washington
Classification: Likely benign for Hereditary cancer-predisposing syndrome. Last evaluated: 2023-03-23. Review status: criteria provided, single submitter. Criteria: Dines et al. (Genet Med. 2020). Collection method: curation. Allele origin: germline.
Comment: Missense variant in a coldspot region where missense variants are very unlikely to be pathogenic (PMID:31911673).

BRCA2 exon 11 coldspot. Reclassification based on statistical prior probability.

NM_000059.4(BRCA2):c.3352T>G (p.Leu1118Val)

Gene: BRCA2 (BRCA2 DNA repair associated; plus strand). Cytogenetic location: 13q13.1.
Variant type: single nucleotide variant.
Coding change: c.3352T>G on transcript NM_000059.4 (MANE Select); coding-DNA position 3352, T replaced by G.
Protein change: p.Leu1118Val; replaces leucine 1118 with valine.
Molecular consequence: missense variant.
Genome position (GRCh38, 1-based): chr13:32,337,707, T>G. VCF-style: chr13-32337707-T-G. GRCh37 (hg19) VCF-style: chr13-32911844-T-G.
Other names: short protein forms L1118V.
Identifiers: ClinVar variation 645766 (VCV000645766.11), dbSNP rs1593899300, ClinGen allele CA387776348.